The following is an entry in ClinVar:

NM_006431.3(CCT2):c.982+13G>A

Gene: CCT2 (chaperonin containing TCP1 subunit 2; plus strand). Cytogenetic location: 12q15.
Variant type: single nucleotide variant.
Coding change: c.982+13G>A on transcript NM_006431.3 (MANE Select); 13 bases into the intron after coding-DNA position 982, G replaced by A.
Molecular consequence: intron variant.
Genome position (GRCh38, 1-based): chr12:69,593,626, G>A. VCF-style: chr12-69593626-G-A. GRCh37 (hg19) VCF-style: chr12-69987406-G-A.
Other names: c.841+13G>A (NM_001198842.2).
Identifiers: ClinVar variation 2014145 (VCV002014145.4), dbSNP rs949446470, ClinGen allele CA239119522.

ClinVar aggregate classification (germline): Uncertain significance (1 of 4 stars; one submission).

Submission:

Labcorp Genetics (formerly Invitae), Labcorp
Classification: Uncertain significance. Last evaluated: 2022-07-11. Review status: criteria provided, single submitter. Criteria: Invitae Variant Classification Sherloc (09022015). Collection method: clinical testing. Allele origin: germline.
Comment: This variant has not been reported in the literature in individuals affected with CCT2-related conditions. This variant is not present in population databases (gnomAD no frequency). This sequence change falls in intron 10 of the CCT2 gene. It does not directly change the encoded amino acid sequence of the CCT2 protein. In summary, the available evidence is currently insufficient to determine the role of this variant in disease. Therefore, it has been classified as a Variant of Uncertain Significance. Algorithms developed to predict the effect of sequence changes on RNA splicing suggest that this variant may disrupt the consensus splice site.